The following is an entry in ClinVar:

ClinVar aggregate classification (germline): Uncertain significance. Review status: criteria provided, multiple submitters, no conflicts (2 of 4 stars). 2 submissions from 2 submitters: Uncertain significance (2). Last evaluated 2019-12-12.

Conditions:
Cardiovascular phenotype. Identifiers: MedGen CN230736.

Allele frequency attached by ClinVar (database versions not stated): gnomAD exomes 0.00002; ExAC 0.00003.
gnomAD v4.1: 32 of 1,613,350 alleles (0.002%); highest among the groups gnomAD compares: South Asian, 0.018%; no homozygotes.

Submissions (2):

Ambry Genetics
Classification: Uncertain significance for Cardiovascular phenotype. Last evaluated: 2019-12-12. Review status: criteria provided, single submitter. Criteria: Ambry Variant Classification Scheme 2023. Collection method: clinical testing. Allele origin: germline.
Comment: The p.R16759C variant (also known as c.50275C>T), located in coding exon 153 of the TTN gene, results from a C to T substitution at nucleotide position 50275. The arginine at codon 16759 is replaced by cysteine, an amino acid with highly dissimilar properties. This amino acid position is not well conserved in available vertebrate species. In addition, this alteration is predicted to be tolerated by in silico analysis. Since supporting evidence is limited at this time, the clinical significance of this alteration remains unclear.

Eurofins Ntd Llc (ga)
Classification: Uncertain significance. Last evaluated: 2015-11-10. Review status: criteria provided, single submitter. Criteria: EGL Classification Definitions 2015. Collection method: clinical testing. Allele origin: germline. Observed: 2 variant alleles, 2 heterozygotes.

NM_001267550.2(TTN):c.77470C>T (p.Arg25824Cys)

Genes: TTN (titin; minus strand), TTN-AS1 (TTN antisense RNA 1; plus strand). Cytogenetic location: 2q31.2.
Variant type: single nucleotide variant.
Coding change: c.77470C>T on transcript NM_001267550.2 (MANE Select); coding-DNA position 77470, C replaced by T.
Protein change: p.Arg25824Cys; replaces arginine 25824 with cysteine.
Molecular consequence: missense variant.
Genome position (GRCh38, 1-based): chr2:178,568,662, G>A on the plus strand (C>T on the coding strand, the complement: TTN is on the minus strand). VCF-style: chr2-178568662-G-A. GRCh37 (hg19) VCF-style: chr2-179433389-G-A.
Other names: c.72547C>T, p.Arg24183Cys (NM_001256850.1); c.50275C>T, p.Arg16759Cys (NM_003319.4); c.69766C>T, p.Arg23256Cys (NM_133378.4); c.50650C>T, p.Arg16884Cys (NM_133432.3); c.50851C>T, p.Arg16951Cys (NM_133437.4); short protein forms R23256C, R25824C, R24183C, R16759C, R16884C, R16951C.
Identifiers: ClinVar variation 284112 (VCV000284112.7), dbSNP rs778684474, ClinGen allele CA1989768.